The following is an entry in ClinVar:

NM_001110556.2(FLNA):c.3957G>A (p.Val1319=)

Gene: FLNA (filamin A; minus strand). Cytogenetic location: Xq28.
Variant type: single nucleotide variant.
Coding change: c.3957G>A on transcript NM_001110556.2 (MANE Select); coding-DNA position 3957, G replaced by A.
Protein change: p.Val1319=; no amino-acid change (valine 1319 retained).
Molecular consequence: synonymous variant.
Genome position (GRCh38, 1-based): chrX:154,359,754, C>T on the plus strand (G>A on the coding strand, the complement: FLNA is on the minus strand). VCF-style: chrX-154359754-C-T. GRCh37 (hg19) VCF-style: chrX-153588122-C-T.
Other names: c.3957G>A (NM_001456.3); c.3957G>A, p.Val1319= (NM_001456.4).
Identifiers: ClinVar variation 1136040 (VCV001136040.9), dbSNP rs2148111675, ClinGen allele CA519707791.

ClinVar aggregate classification (germline): Conflicting classifications of pathogenicity. Review status: criteria provided, conflicting classifications (1 of 4 stars). 2 submissions from 2 submitters: Uncertain significance (1); Likely benign (1). Last evaluated 2025-03-03.

Conditions:
Frontometaphyseal dysplasia (FMD1). Identifiers: Orphanet 1826, MedGen C0265293, MONDO:0015942.
Heterotopia, periventricular, X-linked dominant (PVNH1). Also called: PERIVENTRICULAR NODULAR HETEROTOPIA 1; X-linked periventricular heterotopia; PERIVENTRICULAR NODULAR HETEROTOPIA 4; HETEROTOPIA, PERIVENTRICULAR, 1. Identifiers: Orphanet 2149, Orphanet 82004, MedGen C1848213, MONDO:0010233, OMIM 300049.
Oto-palato-digital syndrome, type II (OPD2). Also called: FACIOPALATOOSSEOUS SYNDROME; OPD II SYNDROME; Otopalatodigital Syndrome Type 2 (FLNA-OPD2); Otopalatodigital Syndrome, Type II. Identifiers: Orphanet 669, Orphanet 90652, MedGen C1844696, MONDO:0010571, OMIM 304120.
Melnick-Needles syndrome (MNS). Also called: MELNICK-NEEDLES OSTEODYSPLASTY; OSTEODYSPLASTY OF MELNICK AND NEEDLES; Melnick-Needles Syndrome (FLNA-MNS). Identifiers: Orphanet 2484, MedGen C0025237, MONDO:0010650, OMIM 309350.

gnomAD v4.1: 8 of 1,211,038 alleles (0.00066%); highest among the groups gnomAD compares: Non-Finnish European, 0.00089%; no homozygotes.

Submissions (2):

Labcorp Genetics (formerly Invitae), Labcorp
Classification: Likely benign for Oto-palato-digital syndrome, type II; Heterotopia, periventricular, X-linked dominant; Frontometaphyseal dysplasia; Melnick-Needles syndrome. Last evaluated: 2025-03-03. Review status: criteria provided, single submitter. Criteria: Invitae Variant Classification Sherloc (09022015). Collection method: clinical testing. Allele origin: germline.

GeneDx
Classification: Uncertain significance. Last evaluated: 2022-11-08. Review status: criteria provided, single submitter. Criteria: GeneDx Variant Classification Process June 2021. Collection method: clinical testing. Allele origin: germline. Affected: yes.
Comment: Not observed at significant frequency in large population cohorts (gnomAD); In silico analysis supports a deleterious effect on splicing; Has not been previously published as pathogenic or benign to our knowledge